The following is an entry in ClinVar:

NM_003247.5(THBS2):c.2718C>T (p.Pro906=)

Genes: THBS2 (thrombospondin 2; minus strand), THBS2-AS1 (THBS2 antisense RNA 1; plus strand), LOC126859908 (CDK7 strongly-dependent group 2 enhancer GRCh37_chr6:169624128-169625327; plus strand). Cytogenetic location: 6q27.
Variant type: single nucleotide variant.
Coding change: c.2718C>T on transcript NM_003247.5 (MANE Select); coding-DNA position 2718, C replaced by T.
Protein change: p.Pro906=; no amino-acid change (proline 906 retained).
Molecular consequence: synonymous variant. On other transcripts: non-coding transcript variant (2).
Genome position (GRCh38, 1-based): chr6:169,225,200, G>A on the plus strand (C>T on the coding strand, the complement: THBS2 is on the minus strand). VCF-style: chr6-169225200-G-A. GRCh37 (hg19) VCF-style: chr6-169625295-G-A.
Other names: c.2544C>T, p.Pro848= (NM_001381939.1); c.2487C>T, p.Pro829= (NM_001381942.1).
Identifiers: ClinVar variation 3043380 (VCV003043380.2), dbSNP rs61739589, ClinGen allele CA4102878.
Genomic context (GRCh38, chr6:169,225,200, plus strand): 5'-CCCACCGTCCAAGTCCTCCTGGTCTGGGTTGAACACAAGCCGGCAGTTGTCCCTGTCATC[G>A]GGGACGCCATCGTTGTCATCATCAGGGTCACAGGCGTCGCCCTGGCCGTCTCTGTCATGG-3'
Protein context (NP_003238.2, residues 896-916): CDPDDDNDGV[Pro906=]DDRDNCRLVF

ClinVar aggregate classification (germline): Benign (0 of 4 stars; one submission).

Conditions:
THBS2-related disorder. Also called: THBS2-related condition.

Allele frequency attached by ClinVar (database versions not stated): ESP Exome Variant Server 0.00753; 1000 Genomes Project 0.00819; 1000 Genomes Project 30x 0.00859; ExAC 0.00214; gnomAD 0.00675; TOPMed 0.00742.
gnomAD v4.1: 2,007 of 1,614,170 alleles (0.12%); highest among the groups gnomAD compares: African/African-American, 2.4%; 25 homozygotes.

Submission:

PreventionGenetics, part of Exact Sciences
Classification: Benign for THBS2-related condition. Last evaluated: 2019-04-05. Review status: no assertion criteria provided. Collection method: clinical testing. Allele origin: germline.
Comment: This variant is classified as benign based on ACMG/AMP sequence variant interpretation guidelines (Richards et al. 2015 PMID: 25741868, with internal and published modifications).